The following is an entry in ClinVar:

NM_021813.4(BACH2):c.757T>G (p.Phe253Val)

Gene: BACH2 (BACH transcriptional regulator 2; minus strand). Cytogenetic location: 6q15.
Variant type: single nucleotide variant.
Coding change: c.757T>G on transcript NM_021813.4 (MANE Select); coding-DNA position 757, T replaced by G.
Protein change: p.Phe253Val; replaces phenylalanine 253 with valine.
Molecular consequence: missense variant.
Genome position (GRCh38, 1-based): chr6:89,951,349, A>C on the plus strand (T>G on the coding strand, the complement: BACH2 is on the minus strand). VCF-style: chr6-89951349-A-C. GRCh37 (hg19) VCF-style: chr6-90661068-A-C.
Other names: c.757T>G, p.Phe253Val (NM_001170794.2); short protein forms F253V.
Identifiers: ClinVar variation 1483740 (VCV001483740.8), dbSNP rs530112225, ClinGen allele CA143342191.
Genomic context (GRCh38, chr6:89,951,349, plus strand): 5'-CCCTGGCAAGCCCCGGCTTGAGGCTGTTGCTAGAGTTATCTTCCCGGAATGTGCTTGCAA[A>C]ACCTGAGGTACTGTGTGATGATGCATTATAGACATTCTTGGTACATGCAAGCTGGTATTT-3'
Protein context (NP_068585.1, residues 243-263): YNASSHSTSG[Phe253Val]ASTFREDNSS

ClinVar aggregate classification (germline): Uncertain significance (1 of 4 stars; one submission).

Allele frequency attached by ClinVar (database versions not stated): gnomAD 0.00001; 1000 Genomes Project 30x 0.00016; 1000 Genomes Project 0.00020.

Submission:

Labcorp Genetics (formerly Invitae), Labcorp
Classification: Uncertain significance. Last evaluated: 2024-09-26. Review status: criteria provided, single submitter. Criteria: Invitae Variant Classification Sherloc (09022015). Collection method: clinical testing. Allele origin: germline.
Comment: This sequence change replaces phenylalanine, which is neutral and non-polar, with valine, which is neutral and non-polar, at codon 253 of the BACH2 protein (p.Phe253Val). This variant is not present in population databases (gnomAD no frequency). This variant has not been reported in the literature in individuals affected with BACH2-related conditions. ClinVar contains an entry for this variant (Variation ID: 1483740). Invitae Evidence Modeling of protein sequence and biophysical properties (such as structural, functional, and spatial information, amino acid conservation, physicochemical variation, residue mobility, and thermodynamic stability) indicates that this missense variant is not expected to disrupt BACH2 protein function with a negative predictive value of 80%. In summary, the available evidence is currently insufficient to determine the role of this variant in disease. Therefore, it has been classified as a Variant of Uncertain Significance.